The following is an entry in ClinVar:

NM_000093.5(COL5A1):c.2844+19C>T

Gene: COL5A1 (collagen type V alpha 1 chain; plus strand). Cytogenetic location: 9q34.3.
Variant type: single nucleotide variant.
Coding change: c.2844+19C>T on transcript NM_000093.5 (MANE Select); 19 bases into the intron after coding-DNA position 2844, C replaced by T.
Molecular consequence: intron variant.
Genome position (GRCh38, 1-based): chr9:134,796,437, C>T. VCF-style: chr9-134796437-C-T. GRCh37 (hg19) VCF-style: chr9-137688283-C-T.
Other names: c.2844+19C>T (NM_001278074.1).
Identifiers: ClinVar variation 1638038 (VCV001638038.9), dbSNP rs370610276, ClinGen allele CA5319616.

ClinVar aggregate classification (germline): Benign/Likely benign. Review status: criteria provided, multiple submitters, no conflicts (2 of 4 stars). 2 submissions from 2 submitters: Benign (1); Likely benign (1). Last evaluated 2025-12-24.

Conditions:
Ehlers-Danlos syndrome, classic type, 1 (EDSCL1). Also called: EDS I; Ehlers-Danlos syndrome, type 1; EHLERS-DANLOS SYNDROME, GRAVIS TYPE; EHLERS-DANLOS SYNDROME, SEVERE CLASSIC TYPE; Ehlers-Danlos Syndrome, Classic Type, COL5A1-Related. Identifiers: MedGen C0268335, MONDO:0019567, OMIM 130000.

Allele frequency attached by ClinVar (database versions not stated): gnomAD exomes 0.00010 and 0.00015; TOPMed 0.00010; 1000 Genomes Project 30x 0.00016; gnomAD 0.00009; ESP Exome Variant Server 0.00015; ExAC 0.00019.
gnomAD v4.1: 178 of 1,613,654 alleles (0.011%); highest among the groups gnomAD compares: Middle Eastern, 0.15%; 2 homozygotes.

Submissions (2):

Labcorp Genetics (formerly Invitae), Labcorp
Classification: Likely benign for Ehlers-Danlos syndrome, classic type, 1. Last evaluated: 2025-12-24. Review status: criteria provided, single submitter. Criteria: Invitae Variant Classification Sherloc (09022015). Collection method: clinical testing. Allele origin: germline.

Women's Health and Genetics/Laboratory Corporation of America, LabCorp
Classification: Benign. Last evaluated: 2024-12-26. Review status: criteria provided, single submitter. Criteria: LabCorp Variant Classification Summary - May 2015. Collection method: clinical testing. Allele origin: germline.
Comment: Variant summary: COL5A1 c.2844+19C>T alters a non-conserved nucleotide located at a position not widely known to affect splicing. Consensus agreement among computation tools predict no significant impact on normal splicing. However, these predictions have yet to be confirmed by functional studies. The variant allele was found at a frequency of 0.00015 in 251084 control chromosomes, predominantly at a frequency of 0.00049 within the South Asian subpopulation in the gnomAD database. The observed variant frequency within South Asian control individuals in the gnomAD database is approximately 15.7-fold of the estimated maximal expected allele frequency for a pathogenic variant in COL5A1 causing Ehlers-Danlos syndrome, classic type, Ehlers-Danlos syndrome, classic type, 1 phenotype (3.1e-05). To our knowledge, no occurrence of c.2844+19C>T in individuals affected with Ehlers-Danlos syndrome, classic type, Ehlers-Danlos syndrome, classic type, 1 and no experimental evidence demonstrating its impact on protein function have been reported. ClinVar contains an entry for this variant (Variation ID: 1638038). Based on the evidence outlined above, the variant was classified as benign.